The following is an entry in ClinVar:

ClinVar aggregate classification (germline): Uncertain significance. Review status: criteria provided, multiple submitters, no conflicts (2 of 4 stars). 2 submissions from 2 submitters: Uncertain significance (2). Last evaluated 2024-08-26.

Conditions:
Cardiovascular phenotype. Identifiers: MedGen CN230736.
Hereditary cancer-predisposing syndrome. Also called: Hereditary Cancer Syndrome; Hereditary neoplastic syndrome; Neoplastic Syndromes, Hereditary; Tumor predisposition. Identifiers: Orphanet 140162, MedGen C0027672, MeSH D009386, MONDO:0015356.
Juvenile myelomonocytic leukemia (JMML). Also called: LEUKEMIA, JUVENILE MYELOMONOCYTIC, SOMATIC. Identifiers: Orphanet 86834, MedGen C0349639, MONDO:0011908, OMIM 607785, HP:0012209.

Submissions (2):

Ambry Genetics
Classification: Uncertain significance for Cardiovascular phenotype; Hereditary cancer-predisposing syndrome. Last evaluated: 2024-08-26. Review status: criteria provided, single submitter. Criteria: Ambry Variant Classification Scheme 2023. Collection method: clinical testing. Allele origin: germline.
Comment: The p.S1540G variant (also known as c.4618A>G), located in coding exon 34 of the NF1 gene, results from an A to G substitution at nucleotide position 4618. The serine at codon 1540 is replaced by glycine, an amino acid with similar properties. This amino acid position is highly conserved in available vertebrate species. In addition, this alteration is predicted to be tolerated by in silico analysis. Since supporting evidence is limited at this time, the clinical significance of this alteration remains unclear.

Baylor Genetics
Classification: Uncertain significance for Juvenile myelomonocytic leukemia. Last evaluated: 2023-07-28. Review status: criteria provided, single submitter. Criteria: ACMG Guidelines, 2015. Collection method: clinical testing. Allele origin: unknown.

NM_001042492.3(NF1):c.4681A>G (p.Ser1561Gly)

Gene: NF1 (neurofibromin 1; plus strand). Cytogenetic location: 17q11.2.
Variant type: single nucleotide variant.
Coding change: c.4681A>G on transcript NM_001042492.3 (MANE Select); coding-DNA position 4681, A replaced by G.
Protein change: p.Ser1561Gly; replaces serine 1561 with glycine.
Molecular consequence: missense variant.
Genome position (GRCh38, 1-based): chr17:31,261,814, A>G. VCF-style: chr17-31261814-A-G. GRCh37 (hg19) VCF-style: chr17-29588832-A-G.
Other names: c.4618A>G, p.Ser1540Gly (NM_000267.4); short protein forms S1561G, S1540G.
Identifiers: ClinVar variation 1741925 (VCV001741925.4), dbSNP rs2151466435, ClinGen allele CA399000496.